The following is an entry in ClinVar:

ClinVar aggregate classification (germline): Conflicting classifications of pathogenicity. Review status: criteria provided, conflicting classifications (1 of 4 stars). 5 submissions from 5 submitters: Uncertain significance (1); Benign (1); Likely benign (2). 1 of the submissions does not count toward it. Last evaluated 2025-11-27.

Conditions:
PIGV-related disorder. Also called: PIGV-related disorders; PIGV-related condition.
Hyperphosphatasia with impaired intellectual development syndrome 1. Also called: MABRY SYNDROME; GLYCOSYLPHOSPHATIDYLINOSITOL BIOSYNTHESIS DEFECT 2; Hyperphosphatasia with intellectual disability syndrome 1. Identifiers: Orphanet 247262, MedGen C4551502, MONDO:0009398, OMIM 239300.

Allele frequency attached by ClinVar (database versions not stated): gnomAD 0.00009 and 0.00005; ESP Exome Variant Server 0.00008; ExAC 0.00030; 1000 Genomes Project 30x 0.00062; TOPMed 0.00002; 1000 Genomes Project 0.00080.
gnomAD v4.1: 220 of 1,613,976 alleles (0.014%); highest among the groups gnomAD compares: South Asian, 0.19%; 3 homozygotes.

Submissions (5):

Labcorp Genetics (formerly Invitae), Labcorp
Classification: Benign. Last evaluated: 2025-11-27. Review status: criteria provided, single submitter. Criteria: Invitae Variant Classification Sherloc (09022015). Collection method: clinical testing. Allele origin: germline.

Blueprint Genetics
Classification: Likely benign. Last evaluated: 2024-10-16. Review status: criteria provided, single submitter. Criteria: ACMG Guidelines, 2015. Collection method: clinical testing. Allele origin: germline.

Illumina Laboratory Services, Illumina
Classification: Uncertain significance for Hyperphosphatasia with impaired intellectual development syndrome 1. Last evaluated: 2018-01-13. Review status: criteria provided, single submitter. Criteria: ICSL Variant Classification Criteria 13 December 2019. Collection method: clinical testing. Allele origin: germline.

GeneDx
Classification: Likely benign. Last evaluated: 2017-02-28. Review status: criteria provided, single submitter. Criteria: GeneDx Variant Classification (06012015). Collection method: clinical testing. Allele origin: germline. Affected: yes.
Comment: This variant is considered likely benign or benign based on one or more of the following criteria: it is a conservative change, it occurs at a poorly conserved position in the protein, it is predicted to be benign by multiple in silico algorithms, and/or has population frequency not consistent with disease.

PreventionGenetics, part of Exact Sciences
Classification: Likely benign for PIGV-related condition. Last evaluated: 2022-06-21. Review status: no assertion criteria provided. Collection method: clinical testing. Allele origin: germline. Not counted in ClinVar's aggregate classification.
Comment: This variant is classified as likely benign based on ACMG/AMP sequence variant interpretation guidelines (Richards et al. 2015 PMID: 25741868, with internal and published modifications).

NM_017837.4(PIGV):c.809G>A (p.Arg270His)

Gene: PIGV (phosphatidylinositol glycan anchor biosynthesis class V; plus strand). Cytogenetic location: 1p36.11.
Variant type: single nucleotide variant.
Coding change: c.809G>A on transcript NM_017837.4 (MANE Select); coding-DNA position 809, G replaced by A.
Protein change: p.Arg270His; replaces arginine 270 with histidine.
Molecular consequence: missense variant. On other transcripts: non-coding transcript variant (1), intron variant (1).
Genome position (GRCh38, 1-based): chr1:26,794,843, G>A. VCF-style: chr1-26794843-G-A. GRCh37 (hg19) VCF-style: chr1-27121334-G-A.
Other names: c.809G>A, p.Arg270His (NM_001202554.2, NM_001374478.1, NM_001374480.1 and 2 more transcripts); c.428G>A, p.Arg143His (NM_001374483.1); c.182G>A, p.Arg61His (NM_001374484.1, NM_001374485.1); c.79-2720G>A (NM_001374486.1); short protein forms R270H, R143H, R61H.
Identifiers: ClinVar variation 507450 (VCV000507450.15), dbSNP rs149379900, ClinGen allele CA708121.
Genomic context (GRCh38, chr1:26,794,843, plus strand): 5'-TTCCCTTTGCCCTCTTTCAGTATTATGCCTACACCCAATTCTGTCTGCCAGGCTCAGCCC[G>A]CCCCATTCCTGAGCCTTTGGTACAGTTAGCTGTAGACAAGGGCTACCGGATTGCAGAGGG-3'
Protein context (NP_060307.2, residues 260-280): YTQFCLPGSA[Arg270His]PIPEPLVQLA